The following is an entry in ClinVar:

NM_004656.4(BAP1):c.1149_1156del (p.Arg385fs)

Gene: BAP1 (BRCA1 associated deubiquitinase 1; minus strand). Cytogenetic location: 3p21.1.
Variant type: Deletion.
Coding change: c.1149_1156del on transcript NM_004656.4 (MANE Select); coding-DNA positions 1149 to 1156, 8 bases deleted (CAGCCGAG; older notation c.1149_1156delCAGCCGAG).
Protein change: p.Arg385fs; shifts the reading frame from arginine 385.
Molecular consequence: frameshift variant.
Genome position (GRCh38, 1-based): chr3:52,404,547-52,404,554, CTCGGCTG deleted on the plus strand (CAGCCGAG on the coding strand, the reverse complement: BAP1 is on the minus strand); deleting any 8 consecutive bases within chr3:52,404,547-52,404,555 gives the same sequence; the c. name uses the placement nearest the transcript's 3' end. VCF-style (leftmost placement, unchanged base first): chr3-52404546-ACTCGGCTG-A. GRCh37 (hg19) VCF-style: chr3-52438562-ACTCGGCTG-A.
Other names: c.1095_1102del, p.Arg367fs (NM_001410772.1); c.1149_1156delCAGCCGAG (NM_004656.2); short protein forms R367fs, R385fs.
Identifiers: ClinVar variation 4842549 (VCV004842549.1).

ClinVar aggregate classification (germline): Pathogenic (1 of 4 stars; one submission).

Conditions:
Hereditary cancer-predisposing syndrome. Also called: Neoplastic Syndromes, Hereditary; Tumor predisposition; Hereditary Cancer Syndrome; Hereditary neoplastic syndrome. Identifiers: Orphanet 140162, MedGen C0027672, MeSH D009386, MONDO:0015356.

Submission:

Ambry Genetics
Classification: Pathogenic for Hereditary cancer-predisposing syndrome. Last evaluated: 2026-01-05. Review status: criteria provided, single submitter. Criteria: Ambry Variant Classification Scheme 2023. Collection method: clinical testing. Allele origin: germline.
Comment: The c.1149_1156delCAGCCGAG pathogenic mutation, located in coding exon 12 of the BAP1 gene, results from a deletion of 8 nucleotides at nucleotide positions 1149 to 1156, causing a translational frameshift with a predicted alternate stop codon (p.R385Sfs*10). This variant is considered to be rare based on population cohorts in the Genome Aggregation Database (gnomAD). This alteration is expected to result in loss of function by premature protein truncation or nonsense-mediated mRNA decay. As such, this alteration is interpreted as a disease-causing mutation.